The following is an entry in ClinVar:

NM_001165963.4(SCN1A):c.3658T>C (p.Phe1220Leu)

Genes: SCN1A (sodium voltage-gated channel alpha subunit 1; minus strand), LOC102724058 (uncharacterized LOC102724058; plus strand). Cytogenetic location: 2q24.3.
Variant type: single nucleotide variant.
Coding change: c.3658T>C on transcript NM_001165963.4 (MANE Select); coding-DNA position 3658, T replaced by C.
Protein change: p.Phe1220Leu; replaces phenylalanine 1220 with leucine.
Molecular consequence: missense variant. On other transcripts: non-coding transcript variant (1).
Genome position (GRCh38, 1-based): chr2:166,013,791, A>G on the plus strand (T>C on the coding strand, the complement: SCN1A is on the minus strand). VCF-style: chr2-166013791-A-G. GRCh37 (hg19) VCF-style: chr2-166870301-A-G.
Other names: c.3574T>C, p.Phe1192Leu (NM_001165964.3, NM_001353957.2, NM_001353958.2); c.3658T>C, p.Phe1220Leu (NM_001202435.3, NM_001353948.2); c.3625T>C, p.Phe1209Leu (NM_001353949.2, NM_001353950.2, NM_001353951.2 and 2 more transcripts); c.3622T>C, p.Phe1208Leu (NM_001353954.2, NM_001353955.2); c.3571T>C, p.Phe1191Leu (NM_001353960.2); c.1216T>C, p.Phe406Leu (NM_001353961.2); short protein forms F1191L, F1192L, F1208L, F1209L, F1220L, F406L.
Identifiers: ClinVar variation 2498837 (VCV002498837.28), dbSNP rs2468531358, ClinGen allele CA349055945.
Genomic context (GRCh38, chr2:166,013,791, plus strand): 5'-TAATCTCACTCACCAGAGCACCACTACTAAGGAGAATCATGAAAACAATGAAGGTCTCAA[A>G]CCAGTTATGTTCAACTATTCGGAAACACGTCCTTCTCAGGTTCCACCATTGTTTTCCTCT-3'
Protein context (NP_001159435.1, residues 1210-1230): TCFRIVEHNW[Phe1220Leu]ETFIVFMILL

ClinVar aggregate classification (germline): Likely pathogenic (1 of 4 stars; one submission).

Submission:

CeGaT Center for Human Genetics Tuebingen
Classification: Likely pathogenic. Last evaluated: 2023-02-01. Review status: criteria provided, single submitter. Criteria: CeGaT Center For Human Genetics Tuebingen Variant Classification Criteria Version 2. Collection method: clinical testing. Allele origin: germline. Affected: yes. Observed: 1 variant allele.
Comment: SCN1A: PM1, PM2, PP2, PP3, PP4